The following is an entry in ClinVar:

ClinVar aggregate classification (germline): Likely benign. Review status: criteria provided, multiple submitters, no conflicts (2 of 4 stars). 8 submissions from 6 submitters: Likely benign (6). 2 of the submissions do not count toward it. Last evaluated 2025-06-25.

Conditions:
Cardiomyopathy, familial restrictive, 3. Identifiers: Orphanet 75249, MedGen C2676271, MONDO:0012900, OMIM 612422.
Dilated cardiomyopathy 1D. Identifiers: Orphanet 154, Orphanet 54260, MedGen C1832243, MONDO:0011095, OMIM 601494.
Hypertrophic cardiomyopathy 2. Also called: TNNT2-Related Familial Hypertrophic Cardiomyopathy. Identifiers: MedGen C1861864, MONDO:0007266, OMIM 115195.

Allele frequency attached by ClinVar (database versions not stated): gnomAD 0.00005 and 0.00006; TOPMed 0.00005; gnomAD exomes 0.00007 and 0.00011; ExAC 0.00008; ESP Exome Variant Server 0.00008.
gnomAD v4.1: 164 of 1,609,652 alleles (0.01%); highest among the groups gnomAD compares: Non-Finnish European, 0.014%; 1 homozygote.

Submissions (8):

Labcorp Genetics (formerly Invitae), Labcorp
Classification: Likely benign for Cardiomyopathy, familial restrictive, 3; Hypertrophic cardiomyopathy 2; Dilated cardiomyopathy 1D. Last evaluated: 2025-06-25. Review status: criteria provided, single submitter. Criteria: Invitae Variant Classification Sherloc (09022015). Collection method: clinical testing. Allele origin: germline.

Blueprint Genetics
Classification: Likely benign. Last evaluated: 2023-07-31. Review status: criteria provided, single submitter. Criteria: ACMG Guidelines, 2015. Collection method: clinical testing. Allele origin: germline.

Genome-Nilou Lab
Classification: Likely benign for Dilated cardiomyopathy 1D. Last evaluated: 2023-04-11. Review status: criteria provided, single submitter. Criteria: ACMG Guidelines, 2015. Collection method: clinical testing. Allele origin: germline. Affected: no.

Genome-Nilou Lab
Classification: Likely benign for Cardiomyopathy, familial restrictive, 3. Last evaluated: 2023-04-11. Review status: criteria provided, single submitter. Criteria: ACMG Guidelines, 2015. Collection method: clinical testing. Allele origin: germline. Affected: no.

Genome-Nilou Lab
Classification: Likely benign for Hypertrophic cardiomyopathy 2. Last evaluated: 2023-04-11. Review status: criteria provided, single submitter. Criteria: ACMG Guidelines, 2015. Collection method: clinical testing. Allele origin: germline. Affected: no.

GeneDx
Classification: Likely benign. Last evaluated: 2018-01-29. Review status: criteria provided, single submitter. Criteria: GeneDx Variant Classification (06012015). Collection method: clinical testing. Allele origin: germline. Affected: yes.
Comment: This variant is considered likely benign or benign based on one or more of the following criteria: it is a conservative change, it occurs at a poorly conserved position in the protein, it is predicted to be benign by multiple in silico algorithms, and/or has population frequency not consistent with disease.

Clinical Genetics DNA and cytogenetics Diagnostics Lab, Erasmus MC, Erasmus Medical Center
Classification: Likely benign. Review status: no assertion criteria provided. Collection method: clinical testing. Allele origin: germline. Affected: yes. Study: VKGL Data-share Consensus. Not counted in ClinVar's aggregate classification.

Clinical Genetics, Academic Medical Center
Classification: Benign. Review status: no assertion criteria provided. Collection method: clinical testing. Allele origin: germline. Affected: yes. Study: VKGL Data-share Consensus. Not counted in ClinVar's aggregate classification.

NM_001276345.2(TNNT2):c.489+18C>T

Gene: TNNT2 (troponin T2, cardiac type; minus strand). Cytogenetic location: 1q32.1.
Variant type: single nucleotide variant.
Coding change: c.489+18C>T on transcript NM_001276345.2 (MANE Select); 18 bases into the intron after coding-DNA position 489, C replaced by T.
Molecular consequence: intron variant.
Genome position (GRCh38, 1-based): chr1:201,364,280, G>A on the plus strand (C>T on the coding strand, the complement: TNNT2 is on the minus strand). VCF-style: chr1-201364280-G-A. GRCh37 (hg19) VCF-style: chr1-201333408-G-A.
Other names: c.444+18C>T (NM_001001432.3); c.459+18C>T (NM_001001431.3, NM_001001430.3, NM_001276347.2); c.369+18C>T (NM_001276346.2); c.489+18C>T (NM_000364.4).
Identifiers: ClinVar variation 389581 (VCV000389581.13), dbSNP rs377743847, ClinGen allele CA089011.
Genomic context (GRCh38, chr1:201,364,280, plus strand): 5'-AATAGAGAGGGGCCTGGGGGCCCAGCAGGAGCTGGGAGCATGGGGGGCCTCCATGGGCCT[G>A]GGCTAGGGGTCACTCACAGCCAGGCGGTTCTGCCGCTCCTTCTCCCGCTCATTCCGGATG-3'